The following is an entry in ClinVar:

NM_006904.7(PRKDC):c.3391A>C (p.Ile1131Leu)

Gene: PRKDC (protein kinase, DNA-activated, catalytic subunit; minus strand). Cytogenetic location: 8q11.21.
Variant type: single nucleotide variant.
Coding change: c.3391A>C on transcript NM_006904.7 (MANE Select); coding-DNA position 3391, A replaced by C.
Protein change: p.Ile1131Leu; replaces isoleucine 1131 with leucine.
Molecular consequence: missense variant.
Genome position (GRCh38, 1-based): chr8:47,898,543, T>G on the plus strand (A>C on the coding strand, the complement: PRKDC is on the minus strand). VCF-style: chr8-47898543-T-G. GRCh37 (hg19) VCF-style: chr8-48811103-T-G.
Other names: c.3391A>C, p.Ile1131Leu (NM_001081640.2); short protein forms I1131L.
Identifiers: ClinVar variation 1730912 (VCV001730912.2), dbSNP rs915754582, ClinGen allele CA371154745.

ClinVar aggregate classification (germline): Uncertain significance (1 of 4 stars; one submission).

Submission:

Ambry Genetics
Classification: Uncertain significance. Last evaluated: 2022-05-16. Review status: criteria provided, single submitter. Criteria: Ambry Variant Classification Scheme 2023. Collection method: clinical testing. Allele origin: germline.
Comment: The p.I1131L variant (also known as c.3391A>C), located in coding exon 29 of the PRKDC gene, results from an A to C substitution at nucleotide position 3391. The isoleucine at codon 1131 is replaced by leucine, an amino acid with highly similar properties. This amino acid position is conserved. In addition, this alteration is predicted to be tolerated by in silico analysis. Since supporting evidence is limited at this time, the clinical significance of this alteration remains unclear.